The following is an entry in ClinVar:

NM_021975.4(RELA):c.1031C>T (p.Pro344Leu)

Gene: RELA (RELA proto-oncogene, NF-kB subunit; minus strand). Cytogenetic location: 11q13.1.
Variant type: single nucleotide variant.
Coding change: c.1031C>T on transcript NM_021975.4 (MANE Select); coding-DNA position 1031, C replaced by T.
Protein change: p.Pro344Leu; replaces proline 344 with leucine.
Molecular consequence: missense variant.
Genome position (GRCh38, 1-based): chr11:65,655,690, G>A on the plus strand (C>T on the coding strand, the complement: RELA is on the minus strand). VCF-style: chr11-65655690-G-A. GRCh37 (hg19) VCF-style: chr11-65423161-G-A.
Other names: c.1022C>T, p.Pro341Leu (NM_001145138.2); c.1031C>T, p.Pro344Leu (NM_001243984.2, NM_001243985.2); c.1064C>T, p.Pro355Leu (NM_001404657.1); c.1004C>T, p.Pro335Leu (NM_001404658.1); c.818C>T, p.Pro273Leu (NM_001404659.1); c.713C>T, p.Pro238Leu (NM_001404660.1); c.650C>T, p.Pro217Leu (NM_001404661.1); c.938C>T, p.Pro313Leu (NM_001404662.1, NM_001404663.1); short protein forms P238L, P273L, P313L, P335L, P344L, P217L, P341L, P355L.
Identifiers: ClinVar variation 2816993 (VCV002816993.3), dbSNP rs2496832779, ClinGen allele CA381389054.

ClinVar aggregate classification (germline): Uncertain significance (1 of 4 stars; one submission).

Submission:

Labcorp Genetics (formerly Invitae), Labcorp
Classification: Uncertain significance. Last evaluated: 2022-11-28. Review status: criteria provided, single submitter. Criteria: Invitae Variant Classification Sherloc (09022015). Collection method: clinical testing. Allele origin: germline.
Comment: This sequence change replaces proline, which is neutral and non-polar, with leucine, which is neutral and non-polar, at codon 344 of the RELA protein (p.Pro344Leu). This variant is not present in population databases (gnomAD no frequency). This variant has not been reported in the literature in individuals affected with RELA-related conditions. Algorithms developed to predict the effect of missense changes on protein structure and function (SIFT, PolyPhen-2, Align-GVGD) all suggest that this variant is likely to be tolerated. In summary, the available evidence is currently insufficient to determine the role of this variant in disease. Therefore, it has been classified as a Variant of Uncertain Significance.